The following is an entry in ClinVar:

ClinVar aggregate classification (germline): Uncertain significance (1 of 4 stars; one submission).

Allele frequency attached by ClinVar (database versions not stated): ExAC 0.00002; gnomAD exomes 0.00002; gnomAD 0.00005; TOPMed 0.00006.
gnomAD v4.1: 39 of 1,613,872 alleles (0.0024%); highest among the groups gnomAD compares: African/African-American, 0.015%; 1 homozygote.

Submission:

Labcorp Genetics (formerly Invitae), Labcorp
Classification: Uncertain significance. Last evaluated: 2025-06-09. Review status: criteria provided, single submitter. Criteria: Invitae Variant Classification Sherloc (09022015). Collection method: clinical testing. Allele origin: germline.
Comment: This sequence change replaces valine, which is neutral and non-polar, with isoleucine, which is neutral and non-polar, at codon 1255 of the EPRS protein (p.Val1255Ile). This variant is present in population databases (rs777090348, gnomAD 0.003%), including at least one homozygous and/or hemizygous individual. This variant has not been reported in the literature in individuals affected with EPRS-related conditions. ClinVar contains an entry for this variant (Variation ID: 1680865). An algorithm developed to predict the effect of missense changes on protein structure and function outputs the following: PolyPhen-2: "Benign". The isoleucine amino acid residue is found in multiple mammalian species, which suggests that this missense change does not adversely affect protein function. In summary, the available evidence is currently insufficient to determine the role of this variant in disease. Therefore, it has been classified as a Variant of Uncertain Significance.

NM_004446.3(EPRS1):c.3763G>A (p.Val1255Ile)

Gene: EPRS1 (glutamyl-prolyl-tRNA synthetase 1; minus strand). Cytogenetic location: 1q41.
Variant type: single nucleotide variant.
Coding change: c.3763G>A on transcript NM_004446.3 (MANE Select); coding-DNA position 3763, G replaced by A.
Protein change: p.Val1255Ile; replaces valine 1255 with isoleucine.
Molecular consequence: missense variant.
Genome position (GRCh38, 1-based): chr1:219,979,564, C>T on the plus strand (G>A on the coding strand, the complement: EPRS1 is on the minus strand). VCF-style: chr1-219979564-C-T. GRCh37 (hg19) VCF-style: chr1-220152906-C-T.
Other names: short protein forms V1255I.
Identifiers: ClinVar variation 1680865 (VCV001680865.6), dbSNP rs777090348, ClinGen allele CA1399601.